The following is an entry in ClinVar:

NM_015512.5(DNAH1):c.10919T>C (p.Met3640Thr)

Gene: DNAH1 (dynein axonemal heavy chain 1; plus strand). Cytogenetic location: 3p21.1.
Variant type: single nucleotide variant.
Coding change: c.10919T>C on transcript NM_015512.5 (MANE Select); coding-DNA position 10919, T replaced by C.
Protein change: p.Met3640Thr; replaces methionine 3640 with threonine.
Molecular consequence: missense variant.
Genome position (GRCh38, 1-based): chr3:52,395,010, T>C. VCF-style: chr3-52395010-T-C. GRCh37 (hg19) VCF-style: chr3-52429026-T-C.
Other names: short protein forms M3640T.
Identifiers: ClinVar variation 1210269 (VCV001210269.6), dbSNP rs1578204270, ClinGen allele CA353206931.

ClinVar aggregate classification (germline): Uncertain significance. Review status: criteria provided, multiple submitters, no conflicts (2 of 4 stars). 4 submissions from 4 submitters: Uncertain significance (4). Last evaluated 2024-07-09.

Conditions:
Spermatogenic failure 18. Identifiers: MedGen C4539783, MONDO:0054615, OMIM 617576.
Ciliary dyskinesia, primary, 37 (CILD37). Also called: CILIARY DYSKINESIA, PRIMARY, 37, WITH OR WITHOUT SITUS INVERSUS. Identifiers: MedGen C4539798, MONDO:0033204, OMIM 617577.
Primary ciliary dyskinesia. Also called: Ciliary dyskinesia. Identifiers: Orphanet 244, MedGen C0008780, MONDO:0016575, HP:0012265.

Allele frequency attached by ClinVar (database versions not stated): TOPMed below 0.00001.

Submissions (4):

Women's Health and Genetics/Laboratory Corporation of America, LabCorp
Classification: Uncertain significance. Last evaluated: 2024-07-09. Review status: criteria provided, single submitter. Criteria: LabCorp Variant Classification Summary - May 2015. Collection method: clinical testing. Allele origin: germline.
Comment: Variant summary: DNAH1 c.10919T>C (p.Met3640Thr) results in a non-conservative amino acid change in the encoded protein sequence. Three of five in-silico tools predict a benign effect of the variant on protein function. The variant was absent in 244506 control chromosomes. The available data on variant occurrences in the general population are insufficient to allow any conclusion about variant significance. To our knowledge, no occurrence of c.10919T>C in individuals affected with DNAH1-Related Disorders and no experimental evidence demonstrating its impact on protein function have been reported. ClinVar contains an entry for this variant (Variation ID: 1210269). Based on the evidence outlined above, the variant was classified as uncertain significance.

Blueprint Genetics
Classification: Uncertain significance. Last evaluated: 2024-04-26. Review status: criteria provided, single submitter. Criteria: ACMG Guidelines, 2015. Collection method: clinical testing. Allele origin: germline.

Labcorp Genetics (formerly Invitae), Labcorp
Classification: Uncertain significance for Ciliary dyskinesia, primary, 37; Spermatogenic failure 18. Last evaluated: 2022-02-03. Review status: criteria provided, single submitter. Criteria: Invitae Variant Classification Sherloc (09022015). Collection method: clinical testing. Allele origin: germline.
Comment: In summary, the available evidence is currently insufficient to determine the role of this variant in disease. Therefore, it has been classified as a Variant of Uncertain Significance. Algorithms developed to predict the effect of missense changes on protein structure and function are either unavailable or do not agree on the potential impact of this missense change (SIFT: "Deleterious"; PolyPhen-2: "Possibly Damaging"; Align-GVGD: "Class C0"). ClinVar contains an entry for this variant (Variation ID: 1210269). This variant has not been reported in the literature in individuals affected with DNAH1-related conditions. This variant is not present in population databases (gnomAD no frequency). This sequence change replaces methionine, which is neutral and non-polar, with threonine, which is neutral and polar, at codon 3640 of the DNAH1 protein (p.Met3640Thr).

UNC Molecular Genetics  Laboratory, University of North Carolina at Chapel Hill
Classification: Uncertain significance for Primary ciliary dyskinesia. Last evaluated: 2021-01-31. Review status: criteria provided, single submitter. Criteria: ACMG Guidelines, 2015. Collection method: clinical testing. Allele origin: germline. Observed: 1 heterozygote.